The following is an entry in ClinVar:

ClinVar aggregate classification (germline): Uncertain significance (1 of 4 stars; one submission).

Submission:

GeneDx
Classification: Uncertain significance. Last evaluated: 2016-03-03. Review status: criteria provided, single submitter. Criteria: GeneDx Variant Classification (06012015). Collection method: clinical testing. Allele origin: germline. Affected: yes.
Comment: The Q343P variant in the ANK3 gene has not been reported previously as a pathogenic variant, nor as a benign variant, to our knowledge. The Q343P variant was not observed in approximately 6500 individuals of European and African American ancestry in the NHLBI Exome Sequencing Project, indicating it is not a common benign variant in these populations. The Q343P variant is a non-conservative amino acid substitution, which occurs in the 9th ANK repeat at a position that is conserved across species. In silico analysis predicts this variant is probably damaging to the protein structure/function.

NM_020987.5(ANK3):c.1028A>C (p.Gln343Pro)

Gene: ANK3 (ankyrin 3; minus strand). Cytogenetic location: 10q21.2.
Variant type: single nucleotide variant.
Coding change: c.1028A>C on transcript NM_020987.5 (MANE Select); coding-DNA position 1028, A replaced by C.
Protein change: p.Gln343Pro; replaces glutamine 343 with proline.
Molecular consequence: missense variant.
Genome position (GRCh38, 1-based): chr10:60,208,202, T>G on the plus strand (A>C on the coding strand, the complement: ANK3 is on the minus strand). VCF-style: chr10-60208202-T-G. GRCh37 (hg19) VCF-style: chr10-61967960-T-G.
Other names: c.1010A>C, p.Gln337Pro (NM_001204403.2); c.977A>C, p.Gln326Pro (NM_001204404.2); c.1028A>C, p.Gln343Pro (NM_001320874.2); short protein forms Q337P, Q343P, Q326P.
Identifiers: ClinVar variation 383790 (VCV000383790.2), dbSNP rs1057521728, ClinGen allele CA16606028.